The following is an entry in ClinVar:

ClinVar aggregate classification (germline): Likely pathogenic (1 of 4 stars; one submission).

Conditions:
Familial adenomatous polyposis 2. Also called: Adenomas, multiple colorectal; MUTYH Polyposis; COLORECTAL ADENOMATOUS POLYPOSIS, AUTOSOMAL RECESSIVE; ADENOMAS, MULTIPLE COLORECTAL, AUTOSOMAL RECESSIVE; MUTYH-associated polyposis; MUTYH-related attenuated familial adenomatous polyposis. Identifiers: Orphanet 220460, Orphanet 247798, MedGen C3272841, MONDO:0012041, OMIM 608456.

Submission:

Labcorp Genetics (formerly Invitae), Labcorp
Classification: Likely pathogenic for Familial adenomatous polyposis 2. Last evaluated: 2024-03-18. Review status: criteria provided, single submitter. Criteria: Invitae Variant Classification Sherloc (09022015). Collection method: clinical testing. Allele origin: germline.
Comment: This sequence change affects an acceptor splice site in intron 9 of the MUTYH gene. It is expected to disrupt RNA splicing. Variants that disrupt the donor or acceptor splice site typically lead to a loss of protein function (PMID: 16199547), and loss-of-function variants in MUTYH are known to be pathogenic (PMID: 18534194, 20663686). This variant is not present in population databases (gnomAD no frequency). This variant has not been reported in the literature in individuals affected with MUTYH-related conditions. ClinVar contains an entry for this variant (Variation ID: 942834). Algorithms developed to predict the effect of sequence changes on RNA splicing suggest that this variant may disrupt the consensus splice site. In summary, the currently available evidence indicates that the variant is pathogenic, but additional data are needed to prove that conclusively. Therefore, this variant has been classified as Likely Pathogenic.

Literature cited by the submitters: PubMed 16199547; PubMed 18534194; PubMed 20663686.

NM_001048174.2(MUTYH):c.705-2A>C

Gene: MUTYH (mutY DNA glycosylase; minus strand). Cytogenetic location: 1p34.1.
Variant type: single nucleotide variant.
Coding change: c.705-2A>C on transcript NM_001048174.2 (MANE Select); the canonical splice acceptor site of the intron before coding-DNA position 705, A replaced by C.
Molecular consequence: splice acceptor variant.
Genome position (GRCh38, 1-based): chr1:45,332,312, T>G on the plus strand (A>C on the coding strand, the complement: MUTYH is on the minus strand). VCF-style: chr1-45332312-T-G. GRCh37 (hg19) VCF-style: chr1-45797984-T-G.
Other names: c.705-2A>C (NM_001407072.1, NM_001407073.1, NM_001048171.2 and 6 more transcripts); c.360-2A>C (NM_001350651.2, NM_001350650.2, NM_001407082.1); c.429-2A>C (NM_001293192.2, NM_001293196.2, NM_001407091.1); c.750-2A>C (NM_001293190.2); c.738-2A>C (NM_001407069.1, NM_001407077.1, NM_001293191.2); c.780-2A>C (NM_012222.3); c.789-2A>C (NM_001128425.2); c.708-2A>C (NM_001407071.1, NM_001048172.2, NM_001407078.1 and 1 more transcripts); and 5 more.
Identifiers: ClinVar variation 942834 (VCV000942834.8), dbSNP rs1645057147, ClinGen allele CA340134737.